The following is an entry in ClinVar:

ClinVar aggregate classification (germline): Uncertain significance. Review status: criteria provided, multiple submitters, no conflicts (2 of 4 stars). 2 submissions from 2 submitters: Uncertain significance (2). Last evaluated 2022-12-21.

Conditions:
Inborn genetic diseases. Identifiers: MedGen C0950123, MeSH D030342.
Hypomyelination and Congenital Cataract (HLD5). Also called: hypomyelinating leukodystrophy 5. Identifiers: Orphanet 85163, MedGen C1864663, MONDO:0012514, OMIM 610532.

Allele frequency attached by ClinVar (database versions not stated): gnomAD exomes below 0.00001 and 0.00002; gnomAD 0.00003 and 0.00004; TOPMed 0.00004.
gnomAD v4.1: 11 of 1,604,402 alleles (0.00069%); highest among the groups gnomAD compares: African/African-American, 0.011%; no homozygotes.

Submissions (2):

Ambry Genetics
Classification: Uncertain significance for Inborn genetic diseases. Last evaluated: 2022-12-21. Review status: criteria provided, single submitter. Criteria: Ambry Variant Classification Scheme 2023. Collection method: clinical testing. Allele origin: germline.

Labcorp Genetics (formerly Invitae), Labcorp
Classification: Uncertain significance for Hypomyelination and Congenital Cataract. Last evaluated: 2021-12-02. Review status: criteria provided, single submitter. Criteria: Invitae Variant Classification Sherloc (09022015). Collection method: clinical testing. Allele origin: germline.
Comment: Algorithms developed to predict the effect of missense changes on protein structure and function are either unavailable or do not agree on the potential impact of this missense change (SIFT: "Tolerated"; PolyPhen-2: "Probably Damaging"; Align-GVGD: "Class C0"). In summary, the available evidence is currently insufficient to determine the role of this variant in disease. Therefore, it has been classified as a Variant of Uncertain Significance. This variant has not been reported in the literature in individuals affected with FAM126A-related conditions. This sequence change replaces alanine, which is neutral and non-polar, with threonine, which is neutral and polar, at codon 259 of the FAM126A protein (p.Ala259Thr). This variant is present in population databases (no rsID available, gnomAD 0.02%).

NM_032581.4(HYCC1):c.775G>A (p.Ala259Thr)

Gene: HYCC1 (hyccin PI4KA lipid kinase complex subunit 1; minus strand). Cytogenetic location: 7p15.3.
Variant type: single nucleotide variant.
Coding change: c.775G>A on transcript NM_032581.4 (MANE Select); coding-DNA position 775, G replaced by A.
Protein change: p.Ala259Thr; replaces alanine 259 with threonine.
Molecular consequence: missense variant.
Genome position (GRCh38, 1-based): chr7:22,961,291, C>T on the plus strand (G>A on the coding strand, the complement: HYCC1 is on the minus strand). VCF-style: chr7-22961291-C-T. GRCh37 (hg19) VCF-style: chr7-23000910-C-T.
Other names: c.775G>A, p.Ala259Thr (NM_001363466.2, NM_001363467.2); c.775G>A (NM_032581.3); short protein forms A259T.
Identifiers: ClinVar variation 1450378 (VCV001450378.7), dbSNP rs1031404624, ClinGen allele CA155221627.